The following is an entry in ClinVar:

ClinVar aggregate classification (germline): Uncertain significance (1 of 4 stars; one submission).

gnomAD v4.1: 2 of 1,614,152 alleles (0.00012%); highest among the groups gnomAD compares: Non-Finnish European, 0.00017%; no homozygotes.

Submission:

Labcorp Genetics (formerly Invitae), Labcorp
Classification: Uncertain significance. Last evaluated: 2024-09-08. Review status: criteria provided, single submitter. Criteria: Invitae Variant Classification Sherloc (09022015). Collection method: clinical testing. Allele origin: germline.
Comment: This sequence change replaces alanine, which is neutral and non-polar, with serine, which is neutral and polar, at codon 657 of the ERCC6 protein (p.Ala657Ser). This variant is present in population databases (no rsID available, gnomAD 0.0009%). This variant has not been reported in the literature in individuals affected with ERCC6-related conditions. Invitae Evidence Modeling of protein sequence and biophysical properties (such as structural, functional, and spatial information, amino acid conservation, physicochemical variation, residue mobility, and thermodynamic stability) indicates that this missense variant is not expected to disrupt ERCC6 protein function with a negative predictive value of 95%. In summary, the available evidence is currently insufficient to determine the role of this variant in disease. Therefore, it has been classified as a Variant of Uncertain Significance.

NM_000124.4(ERCC6):c.1969G>T (p.Ala657Ser)

Gene: ERCC6 (ERCC excision repair 6, chromatin remodeling factor; minus strand). Cytogenetic location: 10q11.23.
Variant type: single nucleotide variant.
Coding change: c.1969G>T on transcript NM_000124.4 (MANE Select); coding-DNA position 1969, G replaced by T.
Protein change: p.Ala657Ser; replaces alanine 657 with serine.
Molecular consequence: missense variant.
Genome position (GRCh38, 1-based): chr10:49,483,369, C>A on the plus strand (G>T on the coding strand, the complement: ERCC6 is on the minus strand). VCF-style: chr10-49483369-C-A. GRCh37 (hg19) VCF-style: chr10-50691415-C-A.
Other names: c.1969G>T, p.Ala657Ser (NM_001346440.2); short protein forms A657S.
Identifiers: ClinVar variation 3678319 (VCV003678319.2).